The following is an entry in ClinVar:

NM_000256.3(MYBPC3):c.1456T>C (p.Trp486Arg)

Gene: MYBPC3 (myosin binding protein C3; minus strand). Cytogenetic location: 11p11.2.
Variant type: single nucleotide variant.
Coding change: c.1456T>C on transcript NM_000256.3 (MANE Select); coding-DNA position 1456, T replaced by C.
Protein change: p.Trp486Arg; replaces tryptophan 486 with arginine.
Molecular consequence: missense variant.
Genome position (GRCh38, 1-based): chr11:47,342,831, A>G on the plus strand (T>C on the coding strand, the complement: MYBPC3 is on the minus strand). VCF-style: chr11-47342831-A-G. GRCh37 (hg19) VCF-style: chr11-47364382-A-G.
Other names: c.1456T>C, p.Trp486Arg (LRG_386t1); short protein forms W486R.
Identifiers: ClinVar variation 180938 (VCV000180938.7), dbSNP rs397515902, ClinGen allele CA010326.

ClinVar aggregate classification (germline): Uncertain significance. Review status: criteria provided, multiple submitters, no conflicts (2 of 4 stars). 2 submissions from 2 submitters: Uncertain significance (2). Last evaluated 2024-12-17.

Conditions:
Hypertrophic cardiomyopathy. Also called: HYPERTROPHIC MYOCARDIOPATHY. Identifiers: Orphanet 217569, MedGen C0007194, MeSH D002312, MONDO:0005045, HP:0001639.

Submissions (2):

Labcorp Genetics (formerly Invitae), Labcorp
Classification: Uncertain significance for Hypertrophic cardiomyopathy. Last evaluated: 2024-12-17. Review status: criteria provided, single submitter. Criteria: Invitae Variant Classification Sherloc (09022015). Collection method: clinical testing. Allele origin: germline.
Comment: This sequence change replaces tryptophan, which is neutral and slightly polar, with arginine, which is basic and polar, at codon 486 of the MYBPC3 protein (p.Trp486Arg). This variant is not present in population databases (gnomAD no frequency). This variant has not been reported in the literature in individuals affected with MYBPC3-related conditions. ClinVar contains an entry for this variant (Variation ID: 180938). An algorithm developed to predict the effect of missense changes on protein structure and function (PolyPhen-2) suggests that this variant is likely to be disruptive. In summary, the available evidence is currently insufficient to determine the role of this variant in disease. Therefore, it has been classified as a Variant of Uncertain Significance.

Eurofins Ntd Llc (ga)
Classification: Uncertain significance. Last evaluated: 2015-01-09. Review status: criteria provided, single submitter. Criteria: EGL Classification Definitions 2015. Collection method: clinical testing. Allele origin: germline. Observed: 2 variant alleles, 2 heterozygotes.